The following is an entry in ClinVar:

NM_000937.5(POLR2A):c.4152C>T (p.His1384=)

Genes: POLR2A (RNA polymerase II subunit A; plus strand), LOC126862482 (CDK7 strongly-dependent group 2 enhancer GRCh37_chr17:7414586-7415785; plus strand). Cytogenetic location: 17p13.1.
Variant type: single nucleotide variant.
Coding change: c.4152C>T on transcript NM_000937.5 (MANE Select); coding-DNA position 4152, C replaced by T.
Protein change: p.His1384=; no amino-acid change (histidine 1384 retained).
Molecular consequence: synonymous variant.
Genome position (GRCh38, 1-based): chr17:7,511,861, C>T. VCF-style: chr17-7511861-C-T. GRCh37 (hg19) VCF-style: chr17-7415180-C-T.
Identifiers: ClinVar variation 2647354 (VCV002647354.24), dbSNP rs530215924, ClinGen allele CA8350210.

ClinVar aggregate classification (germline): Likely benign (1 of 4 stars; one submission).

Allele frequency attached by ClinVar (database versions not stated): TOPMed 0.00003; gnomAD 0.00006; gnomAD exomes 0.00019; ExAC 0.00036; 1000 Genomes Project 30x 0.00109; 1000 Genomes Project 0.00120.

Submission:

CeGaT Center for Human Genetics Tuebingen
Classification: Likely benign. Last evaluated: 2024-10-01. Review status: criteria provided, single submitter. Criteria: CeGaT Center For Human Genetics Tuebingen Variant Classification Criteria Version 2. Collection method: clinical testing. Allele origin: germline. Affected: yes. Observed: 2 variant alleles.
Comment: POLR2A: BP4, BP7, BS1